The following is an entry in ClinVar:

ClinVar aggregate classification (germline): Uncertain significance (1 of 4 stars; one submission).

Submission:

Labcorp Genetics (formerly Invitae), Labcorp
Classification: Uncertain significance. Last evaluated: 2024-08-06. Review status: criteria provided, single submitter. Criteria: Invitae Variant Classification Sherloc (09022015). Collection method: clinical testing. Allele origin: germline.
Comment: This sequence change replaces threonine, which is neutral and polar, with proline, which is neutral and non-polar, at codon 481 of the MKL1 protein (p.Thr481Pro). This variant is not present in population databases (gnomAD no frequency). This variant has not been reported in the literature in individuals affected with MKL1-related conditions. An algorithm developed to predict the effect of missense changes on protein structure and function (PolyPhen-2) suggests that this variant is likely to be disruptive. In summary, the available evidence is currently insufficient to determine the role of this variant in disease. Therefore, it has been classified as a Variant of Uncertain Significance.

NM_020831.6(MRTFA):c.1741A>C (p.Thr581Pro)

Gene: MRTFA (myocardin related transcription factor A; minus strand). Cytogenetic location: 22q13.1.
Variant type: single nucleotide variant.
Coding change: c.1741A>C on transcript NM_020831.6 (MANE Select); coding-DNA position 1741, A replaced by C.
Protein change: p.Thr581Pro; replaces threonine 581 with proline.
Molecular consequence: missense variant.
Genome position (GRCh38, 1-based): chr22:40,418,997, T>G on the plus strand (A>C on the coding strand, the complement: MRTFA is on the minus strand). VCF-style: chr22-40418997-T-G. GRCh37 (hg19) VCF-style: chr22-40815001-T-G.
Other names: c.1441A>C, p.Thr481Pro (NM_001282660.2); c.1591A>C, p.Thr531Pro (NM_001282661.3); c.1741A>C, p.Thr581Pro (NM_001282662.3); c.1546A>C, p.Thr516Pro (NM_001318139.2); short protein forms T481P, T531P, T516P, T581P.
Identifiers: ClinVar variation 3661571 (VCV003661571.2).
Genomic context (GRCh38, chr22:40,418,997, plus strand): 5'-CCTCCTTCACGAGGATCTGCAGTGGCGAGGCCTGCAGGGTCAGCTGCGTCAGAGGTGATG[T>G]CACCATCTCACCAAAGGTGTCCCCGGGGGTGGAGTTTTCATCGCCCGTGCTGAGCAGTGA-3'
Protein context (NP_065882.2, residues 571-591): TPGDTFGEMV[Thr581Pro]SPLTQLTLQA